The following is an entry in ClinVar:

NM_022463.5(NXN):c.545A>G (p.Asn182Ser)

Gene: NXN (nucleoredoxin; minus strand). Cytogenetic location: 17p13.3.
Variant type: single nucleotide variant.
Coding change: c.545A>G on transcript NM_022463.5 (MANE Select); coding-DNA position 545, A replaced by G.
Protein change: p.Asn182Ser; replaces asparagine 182 with serine.
Molecular consequence: missense variant.
Genome position (GRCh38, 1-based): chr17:823,699, T>C on the plus strand (A>G on the coding strand, the complement: NXN is on the minus strand). VCF-style: chr17-823699-T-C. GRCh37 (hg19) VCF-style: chr17-726939-T-C.
Other names: c.221A>G, p.Asn74Ser (NM_001205319.1); c.545A>G (NM_022463.4); short protein forms N74S, N182S.
Identifiers: ClinVar variation 1492774 (VCV001492774.7), dbSNP rs895428669, ClinGen allele CA286696322.

ClinVar aggregate classification (germline): Uncertain significance. Review status: criteria provided, multiple submitters, no conflicts (2 of 4 stars). 2 submissions from 2 submitters: Uncertain significance (2). Last evaluated 2024-07-16.

Allele frequency attached by ClinVar (database versions not stated): gnomAD exomes below 0.00001 and 0.00001; gnomAD 0.00001; TOPMed 0.00001.
gnomAD v4.1: 9 of 1,614,030 alleles (0.00056%); highest among the groups gnomAD compares: African/African-American, 0.0013%; no homozygotes.

Submissions (2):

Ambry Genetics
Classification: Uncertain significance. Last evaluated: 2024-07-16. Review status: criteria provided, single submitter. Criteria: Ambry Variant Classification Scheme 2023. Collection method: clinical testing. Allele origin: germline.

Labcorp Genetics (formerly Invitae), Labcorp
Classification: Uncertain significance. Last evaluated: 2023-08-22. Review status: criteria provided, single submitter. Criteria: Invitae Variant Classification Sherloc (09022015). Collection method: clinical testing. Allele origin: germline.
Comment: This sequence change replaces asparagine, which is neutral and polar, with serine, which is neutral and polar, at codon 182 of the NXN protein (p.Asn182Ser). This variant is present in population databases (no rsID available, gnomAD 0.002%). This variant has not been reported in the literature in individuals affected with NXN-related conditions. ClinVar contains an entry for this variant (Variation ID: 1492774). An algorithm developed to predict the effect of missense changes on protein structure and function (PolyPhen-2) suggests that this variant is likely to be tolerated. In summary, the available evidence is currently insufficient to determine the role of this variant in disease. Therefore, it has been classified as a Variant of Uncertain Significance.